The following is an entry in ClinVar:

NM_020778.5(ALPK3):c.2155G>A (p.Ala719Thr)

Gene: ALPK3 (alpha kinase 3; plus strand). Cytogenetic location: 15q25.3.
Variant type: single nucleotide variant.
Coding change: c.2155G>A on transcript NM_020778.5 (MANE Select); coding-DNA position 2155, G replaced by A.
Protein change: p.Ala719Thr; replaces alanine 719 with threonine.
Molecular consequence: missense variant.
Genome position (GRCh38, 1-based): chr15:84,856,893, G>A. VCF-style: chr15-84856893-G-A. GRCh37 (hg19) VCF-style: chr15-85400124-G-A.
Other names: short protein forms A719T.
Identifiers: ClinVar variation 4769432 (VCV004769432.1).

ClinVar aggregate classification (germline): Uncertain significance (1 of 4 stars; one submission).

gnomAD v4.1: 2 of 1,613,946 alleles (0.00012%); highest among the groups gnomAD compares: Non-Finnish European, 0.00017%; no homozygotes.

Submission:

Labcorp Genetics (formerly Invitae), Labcorp
Classification: Uncertain significance. Last evaluated: 2025-05-12. Review status: criteria provided, single submitter. Criteria: Invitae Variant Classification Sherloc (09022015). Collection method: clinical testing. Allele origin: germline.
Comment: This sequence change replaces alanine, which is neutral and non-polar, with threonine, which is neutral and polar, at codon 921 of the ALPK3 protein (p.Ala921Thr). This variant is present in population databases (no rsID available, gnomAD 0.0009%). This variant has not been reported in the literature in individuals affected with ALPK3-related conditions. Invitae Evidence Modeling of protein sequence and biophysical properties (such as structural, functional, and spatial information, amino acid conservation, physicochemical variation, residue mobility, and thermodynamic stability) indicates that this missense variant is not expected to disrupt ALPK3 protein function with a negative predictive value of 80%. In summary, the available evidence is currently insufficient to determine the role of this variant in disease. Therefore, it has been classified as a Variant of Uncertain Significance.